The following is an entry in ClinVar:

ClinVar aggregate classification (germline): Pathogenic (1 of 4 stars; one submission).

Submission:

Labcorp Genetics (formerly Invitae), Labcorp
Classification: Pathogenic. Last evaluated: 2023-03-21. Review status: criteria provided, single submitter. Criteria: Invitae Variant Classification Sherloc (09022015). Collection method: clinical testing. Allele origin: germline.
Comment: This variant has not been reported in the literature in individuals affected with P3H2-related conditions. This variant is not present in population databases (gnomAD no frequency). This sequence change creates a premature translational stop signal (p.Glu33Alafs*73) in the P3H2 gene. It is expected to result in an absent or disrupted protein product. Loss-of-function variants in P3H2 are known to be pathogenic (PMID: 24172257, 25469533). For these reasons, this variant has been classified as Pathogenic.

Literature cited by the submitters: PubMed 24172257; PubMed 25469533.

NM_018192.4(P3H2):c.96_97del (p.Glu33fs)

Gene: P3H2 (prolyl 3-hydroxylase 2; minus strand). Cytogenetic location: 3q28.
Variant type: Deletion.
Coding change: c.96_97del on transcript NM_018192.4 (MANE Select); coding-DNA positions 96 to 97, 2 bases deleted (GG; older notation c.96_97delGG).
Protein change: p.Glu33fs; shifts the reading frame from glutamic acid 33.
Molecular consequence: frameshift variant. On other transcripts: intron variant (1).
Genome position (GRCh38, 1-based): chr3:190,120,635-190,120,636, CC deleted on the plus strand (GG on the coding strand, the reverse complement: P3H2 is on the minus strand); deleting any 2 consecutive bases within chr3:190,120,635-190,120,637 gives the same sequence; the c. name uses the placement nearest the transcript's 3' end. VCF-style (leftmost placement, unchanged base first): chr3-190120634-TCC-T. GRCh37 (hg19) VCF-style: chr3-189838423-TCC-T.
Other names: c.-64+1567_-64+1568del (NM_001134418.2); short protein forms E33fs.
Identifiers: ClinVar variation 2836166 (VCV002836166.3), dbSNP rs2473982808, ClinGen allele CA2739269968.